The following is an entry in ClinVar:

NM_000642.3(AGL):c.3151_3152delinsA (p.Gly1051fs)

Gene: AGL (amylo-alpha-1,6-glucosidase and 4-alpha-glucanotransferase; plus strand). Cytogenetic location: 1p21.2.
Variant type: Indel.
Coding change: c.3151_3152delinsA on transcript NM_000642.3 (MANE Select); coding-DNA positions 3151 to 3152, GG replaced by A.
Protein change: p.Gly1051fs; shifts the reading frame from glycine 1051.
Molecular consequence: frameshift variant.
Genome position (GRCh38, 1-based): chr1:99,892,499-99,892,500, GG replaced by A. VCF-style: chr1-99892499-GG-A. GRCh37 (hg19) VCF-style: chr1-100358055-GG-A.
Other names: c.3151_3152delinsA, p.Gly1051fs (NM_000028.3, NM_000643.3, NM_000644.3 and 1 more transcripts); c.3103_3104delinsA, p.Gly1035fs (NM_000646.3); c.3130_3131delinsA, p.Gly1044fs (NM_001425326.1); c.2950_2951delinsA, p.Gly984fs (NM_001425327.1); c.2947_2948delinsA, p.Gly983fs (NM_001425328.1); c.2812_2813delinsA, p.Gly938fs (NM_001425329.1); c.2773_2774delinsA, p.Gly925fs (NM_001425332.1); short protein forms G1035fs, G1044fs, G1051fs, G925fs, G938fs, G983fs, G984fs.
Identifiers: ClinVar variation 5011242 (VCV005011242.1).

ClinVar aggregate classification (germline): Pathogenic (1 of 4 stars; one submission).

Conditions:
Glycogen storage disease type III (GSD3). Also called: FORBES DISEASE; Cori disease. Identifiers: Orphanet 366, MedGen C0017922, MONDO:0009291, OMIM 232400.

Submission:

Myriad Genetics, Inc.
Classification: Pathogenic for Glycogen storage disease type III. Last evaluated: 2023-08-06. Review status: criteria provided, single submitter. Criteria: Myriad Autosomal Dominant, Autosomal Recessive and X-Linked Classification Criteria (2023). Collection method: clinical testing. Allele origin: unknown.
Comment: NM_000642.2(AGL):c.3151_3152delGGinsA(G1051Kfs*13) is expected to be pathogenic in the context of glycogen storage disease type III. This variant is predicted to lead to an abnormal or absent protein product due to the creation of a premature termination codon in AGL, a gene where loss-of-function variants are known to be pathogenic. Please note: this variant was assessed in the context of healthy population screening.